The following is an entry in ClinVar:

ClinVar aggregate classification (germline): Uncertain significance. Review status: criteria provided, multiple submitters, no conflicts (2 of 4 stars). 2 submissions from 2 submitters: Uncertain significance (2). Last evaluated 2025-05-20.

Conditions:
STT3B-congenital disorder of glycosylation. Also called: CDG Ix; Congenital disorder of glycosylation type 1x; STT3B-CDG. Identifiers: Orphanet 370924, MedGen C2931007, MONDO:0014271, OMIM 615597.

Allele frequency attached by ClinVar (database versions not stated): ExAC 0.00001; TOPMed 0.00002; gnomAD 0.00001; gnomAD exomes 0.00002; ESP Exome Variant Server 0.00015.
gnomAD v4.1: 35 of 1,611,640 alleles (0.0022%); highest among the groups gnomAD compares: Non-Finnish European, 0.0027%; no homozygotes.

Submissions (2):

Ambry Genetics
Classification: Uncertain significance. Last evaluated: 2025-05-20. Review status: criteria provided, single submitter. Criteria: Ambry Variant Classification Scheme 2023. Collection method: clinical testing. Allele origin: germline.

Labcorp Genetics (formerly Invitae), Labcorp
Classification: Uncertain significance for STT3B-congenital disorder of glycosylation. Last evaluated: 2021-10-10. Review status: criteria provided, single submitter. Criteria: Invitae Variant Classification Sherloc (09022015). Collection method: clinical testing. Allele origin: germline.
Comment: This sequence change replaces serine, which is neutral and polar, with leucine, which is neutral and non-polar, at codon 358 of the STT3B protein (p.Ser358Leu). This variant is present in population databases (rs149441473, gnomAD 0.002%). This variant has not been reported in the literature in individuals affected with STT3B-related conditions. Algorithms developed to predict the effect of missense changes on protein structure and function (SIFT, PolyPhen-2, Align-GVGD) all suggest that this variant is likely to be tolerated. In summary, the available evidence is currently insufficient to determine the role of this variant in disease. Therefore, it has been classified as a Variant of Uncertain Significance.

NM_178862.3(STT3B):c.1073C>T (p.Ser358Leu)

Gene: STT3B (STT3 oligosaccharyltransferase complex catalytic subunit B; plus strand). Cytogenetic location: 3p23.
Variant type: single nucleotide variant.
Coding change: c.1073C>T on transcript NM_178862.3 (MANE Select); coding-DNA position 1073, C replaced by T.
Protein change: p.Ser358Leu; replaces serine 358 with leucine.
Molecular consequence: missense variant.
Genome position (GRCh38, 1-based): chr3:31,617,025, C>T. VCF-style: chr3-31617025-C-T. GRCh37 (hg19) VCF-style: chr3-31658517-C-T.
Other names: c.1073C>T (NM_178862.1); short protein forms S358L.
Identifiers: ClinVar variation 2049333 (VCV002049333.2), dbSNP rs149441473, ClinGen allele CA2295091.
Genomic context (GRCh38, chr3:31,617,025, plus strand): 5'-AGTATCTGAGAGACCGATTAACAAAACAAGAGTTCCAGACCCTTTTCTTTTTGGGTGTAT[C>T]ACTAGCTGCAGGTGCTGTGTTCCTTAGTGTCATCTATTTGACTTATACAGGTACGTGTTA-3'
Protein context (NP_849193.1, residues 348-368): EFQTLFFLGV[Ser358Leu]LAAGAVFLSV